The following is an entry in ClinVar:

ClinVar aggregate classification (germline): Likely pathogenic (1 of 4 stars; one submission).

Submission:

GeneDx
Classification: Likely pathogenic. Last evaluated: 2017-08-03. Review status: criteria provided, single submitter. Criteria: GeneDx Variant Classification (06012015). Collection method: clinical testing. Allele origin: germline. Affected: yes.
Comment: The c.1458_1465delCAAGTTCCinsA variant in the C1INH gene has not been published as a pathogenic variant, nor has it been reported as a benign variant to our knowledge. It causes a frameshift starting with codon Histidine 486, changes this amino acid to a Glutamine residue and creates a new Stop codon at position 88 of the new reading frame, denoted p.H486QfsX88. This variant is predicted to cause loss of normal protein function through Stop loss, as the final 15 amino acids are replaced by 87 incorrect amino acids. The variant is not observed in large population cohorts (Lek et al., 2016; 1000 Genomes Consortium et al., 2015; Exome Variant Server). In summary, we consider this variant to be likely pathogenic.

NM_000062.3(SERPING1):c.1458_1465delinsA (p.His486fs)

Gene: SERPING1 (serpin family G member 1; plus strand). Cytogenetic location: 11q12.1.
Variant type: Indel.
Coding change: c.1458_1465delinsA on transcript NM_000062.3 (MANE Select); coding-DNA positions 1458 to 1465, CAAGTTCC replaced by A.
Protein change: p.His486fs; shifts the reading frame from histidine 486.
Molecular consequence: frameshift variant.
Genome position (GRCh38, 1-based): chr11:57,614,536-57,614,543, CAAGTTCC replaced by A. VCF-style: chr11-57614536-CAAGTTCC-A. GRCh37 (hg19) VCF-style: chr11-57382009-CAAGTTCC-A.
Other names: c.1458_1465delCAAGTTCCinsA (NM_000062.2); c.1458_1465delinsA, p.His486fs (NM_001032295.2); short protein forms H486fs.
Identifiers: ClinVar variation 451253 (VCV000451253.2), dbSNP rs1554996859, ClinGen allele CA658658061.
Genomic context (GRCh38, chr11:57,614,536, plus strand): 5'-CACCCTGCTGGTCTTTGAAGTGCAGCAGCCCTTCCTCTTCGTGCTCTGGGACCAGCAGCA[CAAGTTCC>A]CTGTCTTCATGGGGCGAGTATATGACCCCAGGGCCTGAGACCTGCAGGATCAGGTTAGGG-3'